The following is an entry in ClinVar:

NM_001130144.3(LTBP3):c.1961G>A (p.Gly654Glu)

Genes: LTBP3 (latent transforming growth factor beta binding protein 3; minus strand), LOC130006032 (ATAC-STARR-seq lymphoblastoid silent region 3535; plus strand). Cytogenetic location: 11q13.1.
Variant type: single nucleotide variant.
Coding change: c.1961G>A on transcript NM_001130144.3 (MANE Select); coding-DNA position 1961, G replaced by A.
Protein change: p.Gly654Glu; replaces glycine 654 with glutamic acid.
Molecular consequence: missense variant.
Genome position (GRCh38, 1-based): chr11:65,547,707, C>T on the plus strand (G>A on the coding strand, the complement: LTBP3 is on the minus strand). VCF-style: chr11-65547707-C-T. GRCh37 (hg19) VCF-style: chr11-65315178-C-T.
Other names: c.1610G>A, p.Gly537Glu (NM_001164266.1); c.1961G>A, p.Gly654Glu (NM_021070.4); short protein forms G537E, G654E.
Identifiers: ClinVar variation 3709466 (VCV003709466.2).

ClinVar aggregate classification (germline): Uncertain significance (1 of 4 stars; one submission).

Conditions:
Brachyolmia-amelogenesis imperfecta syndrome. Also called: PLATYSPONDYLY WITH AMELOGENESIS IMPERFECTA; Tooth agenesis, selective, 6; Dental anomalies and short stature. Identifiers: Orphanet 2899, MedGen C1832594, MONDO:0011018, OMIM 601216. Disease mechanism: loss of function.

gnomAD v4.1: 8 of 1,605,564 alleles (0.0005%); highest among the groups gnomAD compares: African/African-American, 0.0094%; no homozygotes.

Submission:

Labcorp Genetics (formerly Invitae), Labcorp
Classification: Uncertain significance for Brachyolmia-amelogenesis imperfecta syndrome. Last evaluated: 2025-03-11. Review status: criteria provided, single submitter. Criteria: Invitae Variant Classification Sherloc (09022015). Collection method: clinical testing. Allele origin: germline.
Comment: This sequence change replaces glycine, which is neutral and non-polar, with glutamic acid, which is acidic and polar, at codon 654 of the LTBP3 protein (p.Gly654Glu). This variant is present in population databases (rs776745335, gnomAD 0.01%). This variant has not been reported in the literature in individuals affected with LTBP3-related conditions. An algorithm developed to predict the effect of missense changes on protein structure and function (PolyPhen-2) suggests that this variant is likely to be tolerated. In summary, the available evidence is currently insufficient to determine the role of this variant in disease. Therefore, it has been classified as a Variant of Uncertain Significance.